The following is an entry in ClinVar:

ClinVar aggregate classification (germline): Uncertain significance. Review status: criteria provided, multiple submitters, no conflicts (2 of 4 stars). 2 submissions from 2 submitters: Uncertain significance (2). Last evaluated 2025-12-01.

Conditions:
Cardiovascular phenotype. Identifiers: MedGen CN230736.
Primary dilated cardiomyopathy (DCM). Also called: Dilated Cardiomyopathy. Identifiers: Orphanet 217604, MedGen C0007193, MeSH D002311, MONDO:0005021, HP:0001644. Inheritance: Various modes of inheritance.

Allele frequency attached by ClinVar (database versions not stated): 1000 Genomes Project 30x 0.00016; ExAC 0.00002; TOPMed 0.00004; ESP Exome Variant Server 0.00008; gnomAD 0.00004; gnomAD exomes 0.00005; 1000 Genomes Project 0.00020.
gnomAD v4.1: 73 of 1,607,472 alleles (0.0045%); highest among the groups gnomAD compares: Non-Finnish European, 0.0055%; no homozygotes.

Submissions (2):

Labcorp Genetics (formerly Invitae), Labcorp
Classification: Uncertain significance for Primary dilated cardiomyopathy. Last evaluated: 2025-12-01. Review status: criteria provided, single submitter. Criteria: Invitae Variant Classification Sherloc (09022015). Collection method: clinical testing. Allele origin: germline.
Comment: This sequence change replaces tryptophan, which is neutral and slightly polar, with arginine, which is basic and polar, at codon 125 of the TXNRD2 protein (p.Trp125Arg). This variant is present in population databases (rs373703741, gnomAD 0.008%). This variant has not been reported in the literature in individuals affected with TXNRD2-related conditions. ClinVar contains an entry for this variant (Variation ID: 1734473). An algorithm developed to predict the effect of missense changes on protein structure and function (PolyPhen-2) suggests that this variant is likely to be disruptive. In summary, the available evidence is currently insufficient to determine the role of this variant in disease. Therefore, it has been classified as a Variant of Uncertain Significance.

Ambry Genetics
Classification: Uncertain significance for Cardiovascular phenotype. Last evaluated: 2023-06-28. Review status: criteria provided, single submitter. Criteria: Ambry Variant Classification Scheme 2023. Collection method: clinical testing. Allele origin: germline.
Comment: The p.W125R variant (also known as c.373T>C), located in coding exon 4 of the TXNRD2 gene, results from a T to C substitution at nucleotide position 373. The tryptophan at codon 125 is replaced by arginine, an amino acid with dissimilar properties. This amino acid position is highly conserved in available vertebrate species. In addition, this alteration is predicted to be deleterious by in silico analysis. Since supporting evidence is limited at this time, the clinical significance of this alteration remains unclear.

NM_006440.5(TXNRD2):c.373T>C (p.Trp125Arg)

Gene: TXNRD2 (thioredoxin reductase 2; minus strand). Cytogenetic location: 22q11.21.
Variant type: single nucleotide variant.
Coding change: c.373T>C on transcript NM_006440.5 (MANE Select); coding-DNA position 373, T replaced by C.
Protein change: p.Trp125Arg; replaces tryptophan 125 with arginine.
Molecular consequence: missense variant. On other transcripts: non-coding transcript variant (1).
Genome position (GRCh38, 1-based): chr22:19,918,861, A>G on the plus strand (T>C on the coding strand, the complement: TXNRD2 is on the minus strand). VCF-style: chr22-19918861-A-G. GRCh37 (hg19) VCF-style: chr22-19906384-A-G.
Other names: c.373T>C, p.Trp125Arg (NM_001282512.3); c.370T>C, p.Trp124Arg (NM_001352300.2); c.283T>C, p.Trp95Arg (NM_001352301.2); c.85T>C, p.Trp29Arg (NM_001352302.2); c.277T>C, p.Trp93Arg (NM_001352303.2); short protein forms W125R, W124R, W29R, W95R, W93R.
Identifiers: ClinVar variation 1734473 (VCV001734473.5), dbSNP rs373703741, ClinGen allele CA10104249.